The following is an entry in ClinVar:

ClinVar aggregate classification (germline): Uncertain significance (1 of 4 stars; one submission).

gnomAD v4.1: 11 of 1,614,040 alleles (0.00068%); highest among the groups gnomAD compares: Non-Finnish European, 0.00085%; no homozygotes.

Submission:

Ambry Genetics
Classification: Uncertain significance. Last evaluated: 2024-09-11. Review status: criteria provided, single submitter. Criteria: Ambry Variant Classification Scheme 2023. Collection method: clinical testing. Allele origin: germline.
Comment: The p.I226S variant (also known as c.677T>G), located in coding exon 6 of the PKP4 gene, results from a T to G substitution at nucleotide position 677. The isoleucine at codon 226 is replaced by serine, an amino acid with dissimilar properties. This amino acid position is conserved. In addition, this alteration is predicted to be tolerated by in silico analysis. Since supporting evidence is limited at this time, the clinical significance of this alteration remains unclear.

NM_003628.6(PKP4):c.677T>G (p.Ile226Ser)

Gene: PKP4 (plakophilin 4; plus strand). Cytogenetic location: 2q24.1.
Variant type: single nucleotide variant.
Coding change: c.677T>G on transcript NM_003628.6 (MANE Select); coding-DNA position 677, T replaced by G.
Protein change: p.Ile226Ser; replaces isoleucine 226 with serine.
Molecular consequence: missense variant. On other transcripts: intron variant (1).
Genome position (GRCh38, 1-based): chr2:158,624,951, T>G. VCF-style: chr2-158624951-T-G. GRCh37 (hg19) VCF-style: chr2-159481463-T-G.
Other names: c.677T>G, p.Ile226Ser (NM_001005476.4, NM_001304969.3, NM_001304971.2 and 6 more transcripts); c.671T>G, p.Ile224Ser (NM_001377222.1, NM_001377223.1, NM_001377224.1); c.-346-4T>G (NM_001304970.3); short protein forms I224S, I226S.
Identifiers: ClinVar variation 1755394 (VCV001755394.3), dbSNP rs891563165, ClinGen allele CA348905430.
Genomic context (GRCh38, chr2:158,624,951, plus strand): 5'-ATCGGGCCATGAGAAGAGTTAGTTCAGTTCCATCTAGAGCACAGTCTCCTTCTTATGTTA[T>G]CAGCACAGGCGTGTCTCCTTCAAGGGGGTCTCTGAGAACTTCTCTGGGTAGTGGATTTGG-3'
Protein context (NP_003619.2, residues 216-236): PSRAQSPSYV[Ile226Ser]STGVSPSRGS